The following is an entry in ClinVar:

NM_001375524.1(TRRAP):c.3449A>G (p.Tyr1150Cys)

Gene: TRRAP (transformation/transcription domain associated protein; plus strand). Cytogenetic location: 7q22.1.
Variant type: single nucleotide variant.
Coding change: c.3449A>G on transcript NM_001375524.1 (MANE Select); coding-DNA position 3449, A replaced by G.
Protein change: p.Tyr1150Cys; replaces tyrosine 1150 with cysteine.
Molecular consequence: missense variant.
Genome position (GRCh38, 1-based): chr7:98,930,688, A>G. VCF-style: chr7-98930688-A-G. GRCh37 (hg19) VCF-style: chr7-98528311-A-G.
Other names: c.3449A>G, p.Tyr1150Cys (NM_003496.4, NM_001244580.2); short protein forms Y1150C.
Identifiers: ClinVar variation 3678519 (VCV003678519.2).

ClinVar aggregate classification (germline): Uncertain significance (1 of 4 stars; one submission).

gnomAD v4.1: 5 of 1,614,144 alleles (0.00031%); highest among the groups gnomAD compares: Non-Finnish European, 0.00034%; no homozygotes.

Submission:

Labcorp Genetics (formerly Invitae), Labcorp
Classification: Uncertain significance. Last evaluated: 2024-05-23. Review status: criteria provided, single submitter. Criteria: Invitae Variant Classification Sherloc (09022015). Collection method: clinical testing. Allele origin: germline.
Comment: This sequence change replaces tyrosine, which is neutral and polar, with cysteine, which is neutral and slightly polar, at codon 1150 of the TRRAP protein (p.Tyr1150Cys). This variant is not present in population databases (gnomAD no frequency). This variant has not been reported in the literature in individuals affected with TRRAP-related conditions. Advanced modeling of protein sequence and biophysical properties (such as structural, functional, and spatial information, amino acid conservation, physicochemical variation, residue mobility, and thermodynamic stability) performed at Invitae indicates that this missense variant is expected to disrupt TRRAP protein function with a positive predictive value of 80%. In summary, the available evidence is currently insufficient to determine the role of this variant in disease. Therefore, it has been classified as a Variant of Uncertain Significance.